The following is an entry in ClinVar:

ClinVar aggregate classification (germline): Pathogenic (1 of 4 stars; one submission).

Conditions:
Cerebral cavernous malformation (CCM). Also called: Cerebral cavernous malformations; Cavernous Hemangioma of Brain; Cerebral cavernous hemangioma (type); CAVERNOUS ANGIOMA, FAMILIAL; CAVERNOUS ANGIOMATOUS MALFORMATIONS; CEREBRAL CAPILLARY MALFORMATIONS. Identifiers: Orphanet 221061, MedGen C2919945, MONDO:0000820, OMIM 116860, HP:0033522.

Submission:

Labcorp Genetics (formerly Invitae), Labcorp
Classification: Pathogenic for Cerebral cavernous malformation. Last evaluated: 2025-06-14. Review status: criteria provided, single submitter. Criteria: Invitae Variant Classification Sherloc (09022015). Collection method: clinical testing. Allele origin: germline.
Comment: This sequence change creates a premature translational stop signal (p.Met275Ilefs*13) in the KRIT1 gene. It is expected to result in an absent or disrupted protein product. Loss-of-function variants in KRIT1 are known to be pathogenic (PMID: 10508515, 11222804, 12404106, 24689081). This variant is not present in population databases (gnomAD no frequency). This premature translational stop signal has been observed in individual(s) with cerebral cavernous malformations (PMID: 30161288). For these reasons, this variant has been classified as Pathogenic.

Literature cited by the submitters: PubMed 10508515; PubMed 11222804; PubMed 12404106; PubMed 24689081; PubMed 30161288.

NM_194454.3(KRIT1):c.825del (p.Met275fs)

Gene: KRIT1 (KRIT1 ankyrin repeat containing; minus strand). Cytogenetic location: 7q21.2.
Variant type: Deletion.
Coding change: c.825del on transcript NM_194454.3 (MANE Select); coding-DNA position 825, one base deleted (G; older notation c.825delG).
Protein change: p.Met275fs; shifts the reading frame from methionine 275.
Molecular consequence: frameshift variant.
Genome position (GRCh38, 1-based): chr7:92,234,828, C deleted on the plus strand (G on the coding strand, the reverse complement: KRIT1 is on the minus strand). VCF-style (leftmost placement, unchanged base first): chr7-92234827-TC-T. GRCh37 (hg19) VCF-style: chr7-91864141-TC-T.
Other names: c.825del, p.Met275fs (NM_001013406.2, NM_001350669.1, NM_001350670.1 and 29 more transcripts); c.111del, p.Met37fs (NM_001350671.1); short protein forms M275fs, M37fs.
Identifiers: ClinVar variation 4739085 (VCV004739085.1).